The following is an entry in ClinVar:

ClinVar aggregate classification (germline): Uncertain significance. Review status: criteria provided, multiple submitters, no conflicts (2 of 4 stars). 2 submissions from 2 submitters: Uncertain significance (2). Last evaluated 2025-12-16.

Conditions:
Inborn genetic diseases. Identifiers: MedGen C0950123, MeSH D030342.

Allele frequency attached by ClinVar (database versions not stated): gnomAD exomes below 0.00001; TOPMed below 0.00001.
gnomAD v4.1: 3 of 1,579,896 alleles (0.00019%); highest among the groups gnomAD compares: South Asian, 0.0011%; no homozygotes.

Submissions (2):

Ambry Genetics
Classification: Uncertain significance for Inborn genetic diseases. Last evaluated: 2025-12-16. Review status: criteria provided, single submitter. Criteria: Ambry Variant Classification Scheme 2023. Collection method: clinical testing. Allele origin: germline.

Labcorp Genetics (formerly Invitae), Labcorp
Classification: Uncertain significance. Last evaluated: 2022-08-04. Review status: criteria provided, single submitter. Criteria: Invitae Variant Classification Sherloc (09022015). Collection method: clinical testing. Allele origin: germline.
Comment: This sequence change replaces isoleucine, which is neutral and non-polar, with valine, which is neutral and non-polar, at codon 346 of the PEPD protein (p.Ile346Val). This variant is not present in population databases (gnomAD no frequency). This variant has not been reported in the literature in individuals affected with PEPD-related conditions. Algorithms developed to predict the effect of missense changes on protein structure and function output the following: SIFT: "Tolerated"; PolyPhen-2: "Benign"; Align-GVGD: "Class C0". The valine amino acid residue is found in multiple mammalian species, which suggests that this missense change does not adversely affect protein function. In summary, the available evidence is currently insufficient to determine the role of this variant in disease. Therefore, it has been classified as a Variant of Uncertain Significance.

NM_000285.4(PEPD):c.1036A>G (p.Ile346Val)

Gene: PEPD (peptidase D; minus strand). Cytogenetic location: 19q13.11.
Variant type: single nucleotide variant.
Coding change: c.1036A>G on transcript NM_000285.4 (MANE Select); coding-DNA position 1036, A replaced by G.
Protein change: p.Ile346Val; replaces isoleucine 346 with valine.
Molecular consequence: missense variant.
Genome position (GRCh38, 1-based): chr19:33,391,411, T>C on the plus strand (A>G on the coding strand, the complement: PEPD is on the minus strand). VCF-style: chr19-33391411-T-C. GRCh37 (hg19) VCF-style: chr19-33882317-T-C.
Other names: c.913A>G, p.Ile305Val (NM_001166056.2); c.844A>G, p.Ile282Val (NM_001166057.2); c.1036A>G (NM_000285.3); short protein forms I305V, I282V, I346V.
Identifiers: ClinVar variation 2065876 (VCV002065876.2), dbSNP rs1968217258, ClinGen allele CA405221920.
Genomic context (GRCh38, chr19:33,391,411, plus strand): 5'-GAGGCATAAACACGGCCCCCAGGTGAGCCTGGACCATGGCGTCCACGCTGCCGCTCAGGA[T>C]GCCCATGTGGGCCAGCTCCTCCAGGTGGATGCGGTCAGCCAGGCGGTGCATGTCAGGCCA-3'
Protein context (NP_000276.2, residues 336-356): IHLEELAHMG[Ile346Val]LSGSVDAMVQ